The following is an entry in ClinVar:

NM_001061.7(TBXAS1):c.447C>T (p.Asn149=)

Gene: TBXAS1 (thromboxane A synthase 1; plus strand). Cytogenetic location: 7q34.
Variant type: single nucleotide variant.
Coding change: c.447C>T on transcript NM_001061.7 (MANE Select); coding-DNA position 447, C replaced by T.
Protein change: p.Asn149=; no amino-acid change (asparagine 149 retained).
Molecular consequence: synonymous variant.
Genome position (GRCh38, 1-based): chr7:139,936,304, C>T. VCF-style: chr7-139936304-C-T. GRCh37 (hg19) VCF-style: chr7-139636103-C-T.
Other names: c.447C>T, p.Asn149= (NM_001130966.5, NM_001166253.4, NM_030984.6); c.246C>T, p.Asn82= (NM_001166254.4); c.390C>T, p.Asn130= (NM_001314028.4); c.264C>T, p.Asn88= (NM_001366537.3).
Identifiers: ClinVar variation 713791 (VCV000713791.12), dbSNP rs199666672, ClinGen allele CA4511637.

ClinVar aggregate classification (germline): Benign. Review status: criteria provided, single submitter (1 of 4 stars). 2 submissions from 2 submitters: Benign (1). 1 of the submissions does not count toward it. Last evaluated 2024-02-12.

Conditions:
TBXAS1-related disorder. Also called: TBXAS1-related condition.

Allele frequency attached by ClinVar (database versions not stated): gnomAD 0.00010 and 0.00029; TOPMed 0.00010; ExAC 0.00110; gnomAD exomes 0.00057 and 0.00098; ESP Exome Variant Server 0.00008; 1000 Genomes Project 30x 0.00078; 1000 Genomes Project 0.00100.
gnomAD v4.1: 860 of 1,613,972 alleles (0.053%); highest among the groups gnomAD compares: South Asian, 0.7%; 17 homozygotes.

Submissions (2):

Labcorp Genetics (formerly Invitae), Labcorp
Classification: Benign. Last evaluated: 2024-02-12. Review status: criteria provided, single submitter. Criteria: Invitae Variant Classification Sherloc (09022015). Collection method: clinical testing. Allele origin: germline.

PreventionGenetics, part of Exact Sciences
Classification: Likely benign for TBXAS1-related condition. Last evaluated: 2023-11-27. Review status: no assertion criteria provided. Collection method: clinical testing. Allele origin: germline. Not counted in ClinVar's aggregate classification.
Comment: This variant is classified as likely benign based on ACMG/AMP sequence variant interpretation guidelines (Richards et al. 2015 PMID: 25741868, with internal and published modifications).